The following is an entry in ClinVar:

ClinVar aggregate classification (germline): Uncertain significance. Review status: criteria provided, multiple submitters, no conflicts (2 of 4 stars). 3 submissions from 3 submitters: Uncertain significance (3). Last evaluated 2024-12-23.

Conditions:
Congenital muscular dystrophy due to integrin alpha-7 deficiency. Also called: MYOPATHY, CONGENITAL, DUE TO INTEGRIN ALPHA-7 DEFICIENCY; Congenital muscular dystrophy with integrin alpha-7 deficiency; Muscular dystrophy, congenital, due to ITGA7 deficiency. Identifiers: Orphanet 34520, MedGen C2750786, MONDO:0013177, OMIM 613204.

Allele frequency attached by ClinVar (database versions not stated): gnomAD 0.00001; ExAC 0.00002; TOPMed 0.00003; gnomAD exomes 0.00004; ESP Exome Variant Server 0.00008.
gnomAD v4.1: 58 of 1,613,894 alleles (0.0036%); highest among the groups gnomAD compares: Admixed American, 0.0067%; no homozygotes.

Submissions (3):

GeneDx
Classification: Uncertain significance. Last evaluated: 2024-12-23. Review status: criteria provided, single submitter. Criteria: GeneDx Variant Classification Process June 2021. Collection method: clinical testing. Allele origin: germline. Affected: yes.
Comment: Not observed at significant frequency in large population cohorts (gnomAD); In silico analysis supports that this missense variant has a deleterious effect on protein structure/function; Has not been previously published as pathogenic or benign germline variant to our knowledge; This variant is associated with the following publications: (PMID: 23684749)

Revvity Omics, Revvity
Classification: Uncertain significance for Congenital muscular dystrophy due to integrin alpha-7 deficiency. Last evaluated: 2023-08-09. Review status: criteria provided, single submitter. Criteria: ACMG Guidelines, 2015. Collection method: clinical testing. Allele origin: germline.

Labcorp Genetics (formerly Invitae), Labcorp
Classification: Uncertain significance for Congenital muscular dystrophy due to integrin alpha-7 deficiency. Last evaluated: 2022-01-07. Review status: criteria provided, single submitter. Criteria: Invitae Variant Classification Sherloc (09022015). Collection method: clinical testing. Allele origin: germline.
Comment: This sequence change replaces arginine, which is basic and polar, with cysteine, which is neutral and slightly polar, at codon 969 of the ITGA7 protein (p.Arg969Cys). This variant is present in population databases (rs17857368, gnomAD 0.01%). This variant has not been reported in the literature in individuals affected with ITGA7-related conditions. Algorithms developed to predict the effect of missense changes on protein structure and function are either unavailable or do not agree on the potential impact of this missense change (SIFT: "Tolerated"; PolyPhen-2: "Possibly Damaging"; Align-GVGD: "Class C15"). In summary, the available evidence is currently insufficient to determine the role of this variant in disease. Therefore, it has been classified as a Variant of Uncertain Significance.

NM_002206.3(ITGA7):c.2905C>T (p.Arg969Cys)

Gene: ITGA7 (integrin subunit alpha 7; minus strand). Cytogenetic location: 12q13.2.
Variant type: single nucleotide variant.
Coding change: c.2905C>T on transcript NM_002206.3 (MANE Select); coding-DNA position 2905, C replaced by T.
Protein change: p.Arg969Cys; replaces arginine 969 with cysteine.
Molecular consequence: missense variant.
Genome position (GRCh38, 1-based): chr12:55,688,897, G>A on the plus strand (C>T on the coding strand, the complement: ITGA7 is on the minus strand). VCF-style: chr12-55688897-G-A. GRCh37 (hg19) VCF-style: chr12-56082681-G-A.
Other names: c.2905C>T (NM_002206.2); c.2917C>T, p.Arg973Cys (NM_001144996.2); c.2626C>T, p.Arg876Cys (NM_001144997.2); c.2578C>T, p.Arg860Cys (NM_001367993.1); c.1561C>T, p.Arg521Cys (NM_001367994.1); c.2887C>T, p.Arg963Cys (NM_001374465.1); c.3037C>T, p.Arg1013Cys (NM_001410977.1); c.2899C>T, p.Arg967Cys (NM_001414029.1); and 6 more; short protein forms R860C, R969C, R963C, R973C, R521C, R876C, R1013C, R894C.
Identifiers: ClinVar variation 1505669 (VCV001505669.6), dbSNP rs17857368, ClinGen allele CA6615422.